The following is an entry in ClinVar:

NM_001287491.2(TET3):c.1371C>T (p.Pro457=)

Gene: TET3 (tet methylcytosine dioxygenase 3; plus strand). Cytogenetic location: 2p13.1.
Variant type: single nucleotide variant.
Coding change: c.1371C>T on transcript NM_001287491.2 (MANE Select); coding-DNA position 1371, C replaced by T.
Protein change: p.Pro457=; no amino-acid change (proline 457 retained).
Molecular consequence: synonymous variant.
Genome position (GRCh38, 1-based): chr2:74,047,288, C>T. VCF-style: chr2-74047288-C-T. GRCh37 (hg19) VCF-style: chr2-74274415-C-T.
Other names: c.1092C>T, p.Pro364= (NM_001366022.1).
Identifiers: ClinVar variation 1288297 (VCV001288297.4), dbSNP rs61742889, ClinGen allele CA1718590.
Genomic context (GRCh38, chr2:74,047,288, plus strand): 5'-GGGCACTGACACCCCTCCAGCAACGCCCCGGAGCTCCTGGCCCATGCCTCGCCCAAGCCC[C>T]GATCCCATGGCTGAACTGGAGCAGTTGTTGGGCAGCGCCAGTGATTACATCCAGTCAGTA-3'
Protein context (NP_001274420.1, residues 447-467): RSSWPMPRPS[Pro457=]DPMAELEQLL

ClinVar aggregate classification (germline): Benign. Review status: criteria provided, multiple submitters, no conflicts (2 of 4 stars). 3 submissions from 3 submitters: Benign (2). 1 of the submissions does not count toward it. Last evaluated 2020-10-15.

Conditions:
TET3-related disorder. Also called: TET3-Related Disease; TET3-related condition.

Allele frequency attached by ClinVar (database versions not stated): ESP Exome Variant Server 0.00096; gnomAD 0.01009 and 0.01031; 1000 Genomes Project 0.01757; 1000 Genomes Project 30x 0.01921; ExAC 0.02081; gnomAD exomes 0.02759.
gnomAD v4.1: 9,925 of 1,614,028 alleles (0.61%); highest among the groups gnomAD compares: Admixed American, 16%; 971 homozygotes.

Submissions (3):

GeneDx
Classification: Benign. Last evaluated: 2020-10-15. Review status: criteria provided, single submitter. Criteria: GeneDx Variant Classification Process June 2021. Collection method: clinical testing. Allele origin: germline. Affected: yes.

Breakthrough Genomics
Classification: Benign. Review status: criteria provided, single submitter. Criteria: ACMG Guidelines, 2015. Collection method: not provided. Allele origin: germline. Inheritance: Autosomal dominant inheritance. Affected: yes.

PreventionGenetics, part of Exact Sciences
Classification: Benign for TET3-related condition. Last evaluated: 2023-07-09. Review status: no assertion criteria provided. Collection method: clinical testing. Allele origin: germline. Not counted in ClinVar's aggregate classification.
Comment: This variant is classified as benign based on ACMG/AMP sequence variant interpretation guidelines (Richards et al. 2015 PMID: 25741868, with internal and published modifications).